The following is an entry in ClinVar:

NM_016148.5(SHANK1):c.1246T>C (p.Tyr416His)

Gene: SHANK1 (SH3 and multiple ankyrin repeat domains 1; minus strand). Cytogenetic location: 19q13.33.
Variant type: single nucleotide variant.
Coding change: c.1246T>C on transcript NM_016148.5 (MANE Select); coding-DNA position 1246, T replaced by C.
Protein change: p.Tyr416His; replaces tyrosine 416 with histidine.
Molecular consequence: missense variant.
Genome position (GRCh38, 1-based): chr19:50,703,807, A>G on the plus strand (T>C on the coding strand, the complement: SHANK1 is on the minus strand). VCF-style: chr19-50703807-A-G. GRCh37 (hg19) VCF-style: chr19-51207064-A-G.
Other names: short protein forms Y416H.
Identifiers: ClinVar variation 4055931 (VCV004055931.1).

ClinVar aggregate classification (germline): Uncertain significance (1 of 4 stars; one submission).

Submission:

GeneDx
Classification: Uncertain significance. Last evaluated: 2025-01-02. Review status: criteria provided, single submitter. Criteria: GeneDx Variant Classification Process June 2021. Collection method: clinical testing. Allele origin: germline. Affected: yes.
Comment: Not observed at significant frequency in large population cohorts (gnomAD); In silico analysis supports that this missense variant has a deleterious effect on protein structure/function; Has not been previously published as pathogenic or benign to our knowledge